The following is an entry in ClinVar:

ClinVar aggregate classification (germline): Uncertain significance (1 of 4 stars; one submission).

Allele frequency attached by ClinVar (database versions not stated): gnomAD exomes 0.00003; TOPMed 0.00018; gnomAD 0.00019.
gnomAD v4.1: 43 of 1,520,818 alleles (0.0028%); highest among the groups gnomAD compares: Admixed American, 0.082%; no homozygotes.

Submission:

Labcorp Genetics (formerly Invitae), Labcorp
Classification: Uncertain significance. Last evaluated: 2023-03-20. Review status: criteria provided, single submitter. Criteria: Invitae Variant Classification Sherloc (09022015). Collection method: clinical testing. Allele origin: germline.
Comment: This variant is present in population databases (no rsID available, gnomAD 0.06%). This sequence change replaces threonine, which is neutral and polar, with methionine, which is neutral and non-polar, at codon 2165 of the APC2 protein (p.Thr2165Met). This variant has not been reported in the literature in individuals affected with APC2-related conditions. Advanced modeling of protein sequence and biophysical properties (such as structural, functional, and spatial information, amino acid conservation, physicochemical variation, residue mobility, and thermodynamic stability) performed at Invitae indicates that this missense variant is not expected to disrupt APC2 protein function. In summary, the available evidence is currently insufficient to determine the role of this variant in disease. Therefore, it has been classified as a Variant of Uncertain Significance.

NM_005883.3(APC2):c.6494C>T (p.Thr2165Met)

Gene: APC2 (APC regulator of Wnt signaling pathway 2; plus strand). Cytogenetic location: 19p13.3.
Variant type: single nucleotide variant.
Coding change: c.6494C>T on transcript NM_005883.3 (MANE Select); coding-DNA position 6494, C replaced by T.
Protein change: p.Thr2165Met; replaces threonine 2165 with methionine.
Molecular consequence: missense variant.
Genome position (GRCh38, 1-based): chr19:1,469,795, C>T. VCF-style: chr19-1469795-C-T. GRCh37 (hg19) VCF-style: chr19-1469794-C-T.
Other names: c.6491C>T, p.Thr2164Met (NM_001351273.1); short protein forms T2164M, T2165M.
Identifiers: ClinVar variation 2794237 (VCV002794237.3), dbSNP rs1310446439, ClinGen allele CA403044028.